The following is an entry in ClinVar:

NM_004373.4(COX6A1):c.106C>T (p.Arg36Cys)

Gene: COX6A1 (cytochrome c oxidase subunit 6A1; plus strand). Cytogenetic location: 12q24.31.
Variant type: single nucleotide variant.
Coding change: c.106C>T on transcript NM_004373.4 (MANE Select); coding-DNA position 106, C replaced by T.
Protein change: p.Arg36Cys; replaces arginine 36 with cysteine.
Molecular consequence: missense variant.
Genome position (GRCh38, 1-based): chr12:120,438,381, C>T. VCF-style: chr12-120438381-C-T. GRCh37 (hg19) VCF-style: chr12-120876184-C-T.
Other names: p.Arg36Cys; short protein forms R36C.
Identifiers: ClinVar variation 2488445 (VCV002488445.4), dbSNP rs778110803, ClinGen allele CA6828003.

ClinVar aggregate classification (germline): Uncertain significance. Review status: criteria provided, multiple submitters, no conflicts (2 of 4 stars). 2 submissions from 2 submitters: Uncertain significance (2). Last evaluated 2025-09-09.

Allele frequency attached by ClinVar (database versions not stated): ExAC 0.00001; gnomAD 0.00001; gnomAD exomes 0.00001; TOPMed 0.00002.
gnomAD v4.1: 11 of 1,614,086 alleles (0.00068%); highest among the groups gnomAD compares: Admixed American, 0.0083%; no homozygotes.

Submissions (2):

Mayo Clinic Laboratories, Mayo Clinic
Classification: Uncertain significance. Last evaluated: 2025-09-09. Review status: criteria provided, single submitter. Criteria: ACMG Guidelines, 2015. Collection method: clinical testing. Allele origin: germline. Observed: 1 variant allele.
Comment: BP4, PM2_supporting

Ambry Genetics
Classification: Uncertain significance. Last evaluated: 2025-05-23. Review status: criteria provided, single submitter. Criteria: Ambry Variant Classification Scheme 2023. Collection method: clinical testing. Allele origin: germline.